The following is an entry in ClinVar:

ClinVar aggregate classification (germline): Uncertain significance (1 of 4 stars; one submission).

Submission:

Labcorp Genetics (formerly Invitae), Labcorp
Classification: Uncertain significance. Last evaluated: 2024-07-08. Review status: criteria provided, single submitter. Criteria: Invitae Variant Classification Sherloc (09022015). Collection method: clinical testing. Allele origin: germline.
Comment: This sequence change replaces arginine, which is basic and polar, with serine, which is neutral and polar, at codon 742 of the CEP89 protein (p.Arg742Ser). This variant is not present in population databases (gnomAD no frequency). This variant has not been reported in the literature in individuals affected with CEP89-related conditions. An algorithm developed to predict the effect of missense changes on protein structure and function (PolyPhen-2) suggests that this variant is likely to be tolerated. In summary, the available evidence is currently insufficient to determine the role of this variant in disease. Therefore, it has been classified as a Variant of Uncertain Significance.

NM_032816.5(CEP89):c.2226G>T (p.Arg742Ser)

Gene: CEP89 (centrosomal protein 89; minus strand). Cytogenetic location: 19q13.11.
Variant type: single nucleotide variant.
Coding change: c.2226G>T on transcript NM_032816.5 (MANE Select); coding-DNA position 2226, G replaced by T.
Protein change: p.Arg742Ser; replaces arginine 742 with serine.
Molecular consequence: missense variant.
Genome position (GRCh38, 1-based): chr19:32,879,288, C>A on the plus strand (G>T on the coding strand, the complement: CEP89 is on the minus strand). VCF-style: chr19-32879288-C-A. GRCh37 (hg19) VCF-style: chr19-33370194-C-A.
Other names: short protein forms R742S.
Identifiers: ClinVar variation 3652738 (VCV003652738.2).